The following is an entry in ClinVar:

ClinVar aggregate classification (germline): Uncertain significance (1 of 4 stars; one submission).

Conditions:
Hereditary breast ovarian cancer syndrome. Also called: Hereditary breast and ovarian cancer syndrome (HBOC); Hereditary breast and ovarian cancer syndrome; Hereditary breast and/or ovarian cancer syndrome; Hereditary breast and ovarian cancer; Breast and ovarian cancer; BRCA1- and BRCA2-Associated Hereditary Breast and Ovarian Cancer. Identifiers: Orphanet 145, MedGen C0677776, MeSH D061325, MONDO:0003582. Disease mechanism: loss of function.

Submission:

Labcorp Genetics (formerly Invitae), Labcorp
Classification: Uncertain significance for Hereditary breast ovarian cancer syndrome. Last evaluated: 2023-04-26. Review status: criteria provided, single submitter. Criteria: Invitae Variant Classification Sherloc (09022015). Collection method: clinical testing. Allele origin: germline.
Comment: This sequence change replaces glutamic acid, which is acidic and polar, with glycine, which is neutral and non-polar, at codon 3053 of the BRCA2 protein (p.Glu3053Gly). In summary, the available evidence is currently insufficient to determine the role of this variant in disease. Therefore, it has been classified as a Variant of Uncertain Significance. Advanced modeling of protein sequence and biophysical properties (such as structural, functional, and spatial information, amino acid conservation, physicochemical variation, residue mobility, and thermodynamic stability) performed at Invitae indicates that this missense variant is not expected to disrupt BRCA2 protein function. This variant has not been reported in the literature in individuals affected with BRCA2-related conditions. This variant is not present in population databases (gnomAD no frequency).

NM_000059.4(BRCA2):c.9158A>G (p.Glu3053Gly)

Gene: BRCA2 (BRCA2 DNA repair associated; plus strand). Cytogenetic location: 13q13.1.
Variant type: single nucleotide variant.
Coding change: c.9158A>G on transcript NM_000059.4 (MANE Select); coding-DNA position 9158, A replaced by G.
Protein change: p.Glu3053Gly; replaces glutamic acid 3053 with glycine.
Molecular consequence: missense variant. On other transcripts: non-coding transcript variant (1).
Genome position (GRCh38, 1-based): chr13:32,380,047, A>G. VCF-style: chr13-32380047-A-G. GRCh37 (hg19) VCF-style: chr13-32954184-A-G.
Other names: c.9062A>G, p.Glu3021Gly (NM_001406719.1); c.9107A>G, p.Glu3036Gly (NM_001406720.1); c.4226A>G, p.Glu1409Gly (NM_001406721.1); c.2741A>G, p.Glu914Gly (NM_001406722.1); short protein forms E1409G, E914G, E3036G, E3021G, E3053G.
Identifiers: ClinVar variation 2859377 (VCV002859377.3), dbSNP rs2137624888, ClinGen allele CA387757948.
Genomic context (GRCh38, chr13:32,380,047, plus strand): 5'-TTTTGTTTTGTTTTCTGTAGGTTTCAGATGAAATTTTATTTCAGATTTACCAGCCACGGG[A>G]GCCCCTTCACTTCAGCAAATTTTTAGATCCAGACTTTCAGCCATCTTGTTCTGAGGTGGA-3'
Protein context (NP_000050.3, residues 3043-3063): EILFQIYQPR[Glu3053Gly]PLHFSKFLDP